The following is an entry in ClinVar:

ClinVar aggregate classification (germline): Uncertain significance (0 of 4 stars; one submission).

Conditions:
PLXNA1-related disorder. Also called: PLXNA1-related condition.

Submission:

PreventionGenetics, part of Exact Sciences
Classification: Uncertain significance for PLXNA1-related condition. Last evaluated: 2023-12-20. Review status: no assertion criteria provided. Collection method: clinical testing. Allele origin: germline.
Comment: The PLXNA1 c.2773G>C variant is predicted to result in the amino acid substitution p.Gly925Arg. To our knowledge, this variant has not been reported in the literature. This variant is reported in 0.0049% of alleles in individuals of European (Finnish) descent in gnomAD. At this time, the clinical significance of this variant is uncertain due to the absence of conclusive functional and genetic evidence.

NM_032242.4(PLXNA1):c.2773G>C (p.Gly925Arg)

Gene: PLXNA1 (plexin A1; plus strand). Cytogenetic location: 3q21.3.
Variant type: single nucleotide variant.
Coding change: c.2773G>C on transcript NM_032242.4 (MANE Select); coding-DNA position 2773, G replaced by C.
Protein change: p.Gly925Arg; replaces glycine 925 with arginine.
Molecular consequence: missense variant.
Genome position (GRCh38, 1-based): chr3:127,014,727, G>C. VCF-style: chr3-127014727-G-C. GRCh37 (hg19) VCF-style: chr3-126733570-G-C.
Other names: short protein forms G925R.
Identifiers: ClinVar variation 3353689 (VCV003353689.1).